The following is an entry in ClinVar:

NM_001127208.3(TET2):c.2351del (p.Cys784fs)

Genes: TET2 (tet methylcytosine dioxygenase 2; plus strand), TET2-AS1 (TET2 antisense RNA 1; minus strand). Cytogenetic location: 4q24.
Variant type: Deletion.
Coding change: c.2351del on transcript NM_001127208.3 (MANE Select); coding-DNA position 2351, one base deleted (G; older notation c.2351delG).
Protein change: p.Cys784fs; shifts the reading frame from cysteine 784.
Molecular consequence: frameshift variant.
Genome position (GRCh38, 1-based): chr4:105,236,293, G deleted. VCF-style (leftmost placement, unchanged base first): chr4-105236292-TG-T. GRCh37 (hg19) VCF-style: chr4-106157449-TG-T.
Other names: c.2351del, p.Cys784fs (NM_017628.4); short protein forms C784fs.
Identifiers: ClinVar variation 1879613 (VCV001879613.29), dbSNP rs2476499894, ClinGen allele CA2580071304.
Genomic context (GRCh38, chr4:105,236,292, plus strand): 5'-CAAAGCAACAATGATCAGCAAAGAGAAGGATCATTCTTTGGCCAGACTAAAGTGGAAGAA[TG>T]TTTTCATGGTGAAAATCAGTATTCAAAATCAAGCGAGTTCGAGACTCATAATGTCCAAAT-3'

ClinVar aggregate classification (germline): Likely pathogenic (1 of 4 stars; one submission).

Submission:

CeGaT Center for Human Genetics Tuebingen
Classification: Likely pathogenic. Last evaluated: 2022-12-01. Review status: criteria provided, single submitter. Criteria: CeGaT Center For Human Genetics Tuebingen Variant Classification Criteria Version 2. Collection method: clinical testing. Allele origin: germline. Affected: yes. Observed: 1 variant allele.
Comment: TET2: PVS1:Strong, PM2